The following is an entry in ClinVar:

NM_000138.5(FBN1):c.5840G>A (p.Cys1947Tyr)

Gene: FBN1 (fibrillin 1; minus strand). Cytogenetic location: 15q21.1.
Variant type: single nucleotide variant.
Coding change: c.5840G>A on transcript NM_000138.5 (MANE Select); coding-DNA position 5840, G replaced by A.
Protein change: p.Cys1947Tyr; replaces cysteine 1947 with tyrosine.
Molecular consequence: missense variant.
Genome position (GRCh38, 1-based): chr15:48,445,453, C>T on the plus strand (G>A on the coding strand, the complement: FBN1 is on the minus strand). VCF-style: chr15-48445453-C-T. GRCh37 (hg19) VCF-style: chr15-48737650-C-T.
Other names: short protein forms C1947Y.
Identifiers: ClinVar variation 42395 (VCV000042395.28), dbSNP rs397515828, ClinGen allele CA016110.

ClinVar aggregate classification (germline): Pathogenic/Likely pathogenic. Review status: criteria provided, multiple submitters, no conflicts (2 of 4 stars). 3 submissions from 3 submitters: Pathogenic (2); Likely pathogenic (1). Last evaluated 2024-02-17.

Conditions:
Marfan syndrome (MFS). Also called: FBN1-Related Marfan Syndrome; Marfan syndrome, classic; MARFAN SYNDROME, TYPE I; Marfan syndrome type 1; Marfan's syndrome. Identifiers: Orphanet 284963, Orphanet 558, MedGen C0024796, MONDO:0007947, OMIM 154700.
Familial thoracic aortic aneurysm and aortic dissection (TAAD). Also called: Thoracic aortic aneurysms and dissections. Identifiers: Orphanet 91387, MedGen C4707243, MONDO:0019625.

Submissions (3):

Labcorp Genetics (formerly Invitae), Labcorp
Classification: Pathogenic for Marfan syndrome; Familial thoracic aortic aneurysm and aortic dissection. Last evaluated: 2024-02-17. Review status: criteria provided, single submitter. Criteria: Invitae Variant Classification Sherloc (09022015). Collection method: clinical testing. Allele origin: germline.
Comment: This sequence change replaces cysteine, which is neutral and slightly polar, with tyrosine, which is neutral and polar, at codon 1947 of the FBN1 protein (p.Cys1947Tyr). This variant is not present in population databases (gnomAD no frequency). This missense change has been observed in individuals with clinical features of Marfan syndrome (PMID: 24793577; Invitae). ClinVar contains an entry for this variant (Variation ID: 42395). Advanced modeling of protein sequence and biophysical properties (such as structural, functional, and spatial information, amino acid conservation, physicochemical variation, residue mobility, and thermodynamic stability) performed at Invitae indicates that this missense variant is expected to disrupt FBN1 protein function with a positive predictive value of 95%. This variant affects a cysteine residue in the EGF-like, TGFBP or hybrid motif domains of FBN1. Cysteine residues are believed to be involved in intramolecular disulfide bridges and have been shown to be important for FBN1 protein structure (PMID: 16905551, 19349279). In addition, missense substitutions affecting cysteine residues within these domains are significantly overrepresented among patients with Marfan syndrome (PMID: 16571647, 17701892). For these reasons, this variant has been classified as Pathogenic.

Centre of Medical Genetics, University of Antwerp
Classification: Pathogenic for Marfan syndrome. Last evaluated: 2021-03-01. Review status: criteria provided, single submitter. Criteria: Submitter's publication. Collection method: research. Allele origin: unknown. Affected: yes.
Comment: PM2, PVS2, PP4

Laboratory for Molecular Medicine, Mass General Brigham Personalized Medicine
Classification: Likely pathogenic for Marfan syndrome. Last evaluated: 2009-05-04. Review status: criteria provided, single submitter. Criteria: LMM Criteria. Collection method: clinical testing. Allele origin: germline. Observed: 1 variant allele.

Literature cited by the submitters: PubMed 24793577 (cited by Labcorp Genetics (formerly Invitae), Labcorp); PubMed 16905551 (cited by Labcorp Genetics (formerly Invitae), Labcorp); PubMed 19349279 (cited by Labcorp Genetics (formerly Invitae), Labcorp); PubMed 16571647 (cited by Labcorp Genetics (formerly Invitae), Labcorp); PubMed 17701892 (cited by Labcorp Genetics (formerly Invitae), Labcorp).